The following is an entry in ClinVar:

NM_006393.3(NEBL):c.1198G>A (p.Val400Ile)

Gene: NEBL (nebulette; minus strand). Cytogenetic location: 10p12.31.
Variant type: single nucleotide variant.
Coding change: c.1198G>A on transcript NM_006393.3 (MANE Select); coding-DNA position 1198, G replaced by A.
Protein change: p.Val400Ile; replaces valine 400 with isoleucine.
Molecular consequence: missense variant. On other transcripts: intron variant (9).
Genome position (GRCh38, 1-based): chr10:20,845,287, C>T on the plus strand (G>A on the coding strand, the complement: NEBL is on the minus strand). VCF-style: chr10-20845287-C-T. GRCh37 (hg19) VCF-style: chr10-21134216-C-T.
Other names: c.250-32347G>A (NM_001377326.1, NM_001377327.1, NM_001377328.1); c.358-32347G>A (NM_213569.2, NM_001173484.2, NM_001377322.1); c.301-32347G>A (NM_001377324.1); c.292-32347G>A (NM_001377325.1); c.310-32347G>A (NM_001377323.1); short protein forms V400I.
Identifiers: ClinVar variation 1746536 (VCV001746536.3), dbSNP rs1436278860, ClinGen allele CA376099580.
Genomic context (GRCh38, chr10:20,845,287, plus strand): 5'-TAATATTTAATAATAAACACCAAGATCGTACCTCCCTCAGAAGGTTGGTGATGTACTTTA[C>T]ATGTAAAAATTCTGGAGTCTTGTCTAAATCCAGTGATGACCTTCCTTTAATCTCCTTCTC-3'
Protein context (NP_006384.1, residues 390-410): DLDKTPEFLH[Val400Ile]KYITNLLREK

ClinVar aggregate classification (germline): Uncertain significance (1 of 4 stars; one submission).

Allele frequency attached by ClinVar (database versions not stated): gnomAD 0.00001; TOPMed below 0.00001.
gnomAD v4.1: 1 of 1,592,926 alleles (0.000063%); highest among the groups gnomAD compares: Non-Finnish European, 0.000086%; no homozygotes.

Submission:

Ambry Genetics
Classification: Uncertain significance. Last evaluated: 2025-05-24. Review status: criteria provided, single submitter. Criteria: Ambry Variant Classification Scheme 2023. Collection method: clinical testing. Allele origin: germline.
Comment: The p.V400I variant (also known as c.1198G>A), located in coding exon 12 of the NEBL gene, results from a G to A substitution at nucleotide position 1198. The valine at codon 400 is replaced by isoleucine, an amino acid with highly similar properties. This amino acid position is conserved. In addition, this alteration is predicted to be tolerated by in silico analysis. Since supporting evidence is limited at this time, the clinical significance of this alteration remains unclear.